The following is an entry in ClinVar:

NM_002691.4(POLD1):c.1123G>T (p.Glu375Ter)

Gene: POLD1 (DNA polymerase delta 1, catalytic subunit; plus strand). Cytogenetic location: 19q13.33.
Variant type: single nucleotide variant.
Coding change: c.1123G>T on transcript NM_002691.4 (MANE Select); coding-DNA position 1123, G replaced by T.
Protein change: p.Glu375Ter; replaces glutamic acid 375 with a stop codon.
Molecular consequence: nonsense. On other transcripts: non-coding transcript variant (1).
Genome position (GRCh38, 1-based): chr19:50,403,205, G>T. VCF-style: chr19-50403205-G-T. GRCh37 (hg19) VCF-style: chr19-50906462-G-T.
Other names: c.1123G>T, p.Glu375Ter (NM_001256849.1, NM_001308632.1); short protein forms E375*.
Identifiers: ClinVar variation 1003482 (VCV001003482.9), dbSNP rs2038731369, ClinGen allele CA406978377.

ClinVar aggregate classification (germline): Uncertain significance (1 of 4 stars; one submission).

Conditions:
POLD1-related polyposis and colorectal cancer syndrome (CRCS10). Also called: Colorectal cancer 10; COLORECTAL CANCER, SUSCEPTIBILITY TO, ON CHROMOSOME 19q; Colorectal cancer, susceptibility to, 10. Identifiers: Orphanet 220460, MedGen C2675481, MONDO:0012953, OMIM 612591.

Submission:

Labcorp Genetics (formerly Invitae), Labcorp
Classification: Uncertain significance for POLD1-related polyposis and colorectal cancer syndrome. Last evaluated: 2020-04-24. Review status: criteria provided, single submitter. Criteria: Invitae Variant Classification Sherloc (09022015). Collection method: clinical testing. Allele origin: germline.
Comment: This sequence change creates a premature translational stop signal (p.Glu375*) in the POLD1 gene. It is expected to result in an absent or disrupted protein product. This variant is not present in population databases (ExAC no frequency). This variant has not been reported in the literature in individuals with POLD1-related conditions. Missense variants that disrupt the 3'-5' exonuclease (proof-reading) activity of the POLD1 protein are associated with an increased risk for colonic adenomatous polyps and colon cancer (PMID: 23263490, 23447401). However, loss-of-function variants, which result in an absent or severely disrupted POLD1 protein, and missense variants outside the exonuclease domain, are unlikely to be associated with polyposis or colon cancer. Without further clinical and genetic evidence, this variant has been classified as a Variant of Uncertain Significance.

Literature cited by the submitters: PubMed 23263490; PubMed 23447401.